The following is an entry in ClinVar:

NM_001243133.2(NLRP3):c.540G>T (p.Glu180Asp)

Gene: NLRP3 (NLR family pyrin domain containing 3; plus strand). Cytogenetic location: 1q44.
Variant type: single nucleotide variant.
Coding change: c.540G>T on transcript NM_001243133.2 (MANE Select); coding-DNA position 540, G replaced by T.
Protein change: p.Glu180Asp; replaces glutamic acid 180 with aspartic acid.
Molecular consequence: missense variant.
Genome position (GRCh38, 1-based): chr1:247,423,989, G>T. VCF-style: chr1-247423989-G-T. GRCh37 (hg19) VCF-style: chr1-247587291-G-T.
Other names: c.540G>T, p.Glu180Asp (NM_001079821.3, NM_001127461.3, NM_001127462.3 and 1 more transcripts); c.546G>T, p.Glu182Asp (NM_004895.5); short protein forms E180D, E182D.
Identifiers: ClinVar variation 2875282 (VCV002875282.3), dbSNP rs776029324, ClinGen allele CA345554888.
Genomic context (GRCh38, chr1:247,423,989, plus strand): 5'-GAGCCTCAACAAACGCTACACACGACTGCGTCTCATCAAGGAGCACCGGAGCCAGCAGGA[G>T]AGGGAGCAGGAGCTTCTGGCCATCGGCAAGACCAAGACGTGTGAGAGCCCCGTGAGTCCC-3'
Protein context (NP_001230062.1, residues 170-190): RLIKEHRSQQ[Glu180Asp]REQELLAIGK

ClinVar aggregate classification (germline): Uncertain significance (1 of 4 stars; one submission).

Conditions:
Cryopyrin associated periodic syndrome (CAPS). Identifiers: Orphanet 208650, MedGen C2316212, MONDO:0016168.

Submission:

Labcorp Genetics (formerly Invitae), Labcorp
Classification: Uncertain significance for Cryopyrin associated periodic syndrome. Last evaluated: 2024-07-01. Review status: criteria provided, single submitter. Criteria: Invitae Variant Classification Sherloc (09022015). Collection method: clinical testing. Allele origin: germline.
Comment: This sequence change replaces glutamic acid, which is acidic and polar, with aspartic acid, which is acidic and polar, at codon 182 of the NLRP3 protein (p.Glu182Asp). This variant is not present in population databases (gnomAD no frequency). This variant has not been reported in the literature in individuals affected with NLRP3-related conditions. Advanced modeling of protein sequence and biophysical properties (such as structural, functional, and spatial information, amino acid conservation, physicochemical variation, residue mobility, and thermodynamic stability) has been performed at Invitae for this missense variant, however the output from this modeling did not meet the statistical confidence thresholds required to predict the impact of this variant on NLRP3 protein function. In summary, the available evidence is currently insufficient to determine the role of this variant in disease. Therefore, it has been classified as a Variant of Uncertain Significance.